The following is an entry in ClinVar:

NM_001111.5(ADAR):c.1577A>G (p.Gln526Arg)

Gene: ADAR (adenosine deaminase RNA specific; minus strand). Cytogenetic location: 1q21.3.
Variant type: single nucleotide variant.
Coding change: c.1577A>G on transcript NM_001111.5 (MANE Select); coding-DNA position 1577, A replaced by G.
Protein change: p.Gln526Arg; replaces glutamine 526 with arginine.
Molecular consequence: missense variant.
Genome position (GRCh38, 1-based): chr1:154,601,065, T>C on the plus strand (A>G on the coding strand, the complement: ADAR is on the minus strand). VCF-style: chr1-154601065-T-C. GRCh37 (hg19) VCF-style: chr1-154573541-T-C.
Other names: c.1577A>G, p.Gln526Arg (LRG_1212t1, NM_015840.4, NM_015841.4); c.692A>G, p.Gln231Arg (NM_001025107.3, NM_001193495.2, NM_001365046.1 and 3 more transcripts); c.1604A>G, p.Gln535Arg (NM_001365045.1); short protein forms Q526R, Q231R, Q535R.
Identifiers: ClinVar variation 292775 (VCV000292775.12), dbSNP rs770224427, ClinGen allele CA1131528.
Genomic context (GRCh38, chr1:154,601,065, plus strand): 5'-CCCAACCCTAGGTACAGTTCCTGGGTGGTCTCTTACCGAGGTTCATGGGGTGGTCCACTC[T>C]GCTCTATCATGTTGAACTCACAGGTTTGACTAGCGAACTGGGCATATTCTAACAGCCCGC-3'
Protein context (NP_001102.3, residues 516-536): SQTCEFNMIE[Gln526Arg]SGPPHEPRFK

ClinVar aggregate classification (germline): Conflicting classifications of pathogenicity. Review status: criteria provided, conflicting classifications (1 of 4 stars). 2 submissions from 2 submitters: Uncertain significance (1); Benign (1). Last evaluated 2025-12-18.

Conditions:
Symmetrical dyschromatosis of extremities (DSH). Also called: RETICULATE ACROPIGMENTATION OF DOHI; SYMMETRIC DYSCHROMATOSIS OF THE EXTREMITIES; Dyschromatosis symmetrica hereditaria; DYSCHROMATOSIS SYMMETRICA HEREDITARIA 1. Identifiers: Orphanet 41, MedGen C0406775, MONDO:0007483, OMIM 127400.
Aicardi-Goutieres syndrome 6 (AGS6). Identifiers: Orphanet 51, MedGen C3539013, MONDO:0014007, OMIM 615010.

Allele frequency attached by ClinVar (database versions not stated): gnomAD below 0.00001 and 0.00002; TOPMed below 0.00001; gnomAD exomes 0.00009 and 0.00016; ExAC 0.00018.
gnomAD v4.1: 131 of 1,614,106 alleles (0.0081%); highest among the groups gnomAD compares: South Asian, 0.13%; no homozygotes.

Submissions (2):

Labcorp Genetics (formerly Invitae), Labcorp
Classification: Uncertain significance for Aicardi-Goutieres syndrome 6; Symmetrical dyschromatosis of extremities. Last evaluated: 2025-12-18. Review status: criteria provided, single submitter. Criteria: Invitae Variant Classification Sherloc (09022015). Collection method: clinical testing. Allele origin: germline.
Comment: This sequence change replaces glutamine, which is neutral and polar, with arginine, which is basic and polar, at codon 526 of the ADAR protein (p.Gln526Arg). This variant is present in population databases (rs770224427, gnomAD 0.1%). This variant has not been reported in the literature in individuals affected with ADAR-related conditions. ClinVar contains an entry for this variant (Variation ID: 292775). Invitae Evidence Modeling of protein sequence and biophysical properties (such as structural, functional, and spatial information, amino acid conservation, physicochemical variation, residue mobility, and thermodynamic stability) has been performed for this missense variant. However, the output from this modeling did not meet the statistical confidence thresholds required to predict the impact of this variant on ADAR protein function. In summary, the available evidence is currently insufficient to determine the role of this variant in disease. Therefore, it has been classified as a Variant of Uncertain Significance.

Illumina Laboratory Services, Illumina
Classification: Benign for Symmetrical dyschromatosis of extremities. Last evaluated: 2018-01-12. Review status: criteria provided, single submitter. Criteria: ICSL Variant Classification Criteria 13 December 2019. Collection method: clinical testing. Allele origin: germline.
Comment: This variant was observed in the ICSL laboratory as part of a predisposition screen in an ostensibly healthy population. It had not been previously curated by ICSL or reported in the Human Gene Mutation Database (HGMD: prior to June 1st, 2018), and was therefore a candidate for classification through an automated scoring system. Utilizing variant allele frequency, disease prevalence and penetrance estimates, and inheritance mode, an automated score was calculated to assess if this variant is too frequent to cause the disease. Based on the score and internal cut-off values, a variant classified as benign is not then subjected to further curation. The score for this variant resulted in a classification of benign for this disease.